The following is an entry in ClinVar:

NM_000159.4(GCDH):c.214C>T (p.Arg72Cys)

Genes: GCDH (glutaryl-CoA dehydrogenase; plus strand), LOC117125594 (CRISPRi-FlowFISH-validated KLF1 regulatory element; plus strand). Cytogenetic location: 19p13.13.
Variant type: single nucleotide variant.
Coding change: c.214C>T on transcript NM_000159.4 (MANE Select); coding-DNA position 214, C replaced by T.
Protein change: p.Arg72Cys; replaces arginine 72 with cysteine.
Molecular consequence: missense variant. On other transcripts: non-coding transcript variant (2).
Genome position (GRCh38, 1-based): chr19:12,891,917, C>T. VCF-style: chr19-12891917-C-T. GRCh37 (hg19) VCF-style: chr19-13002731-C-T.
Other names: c.214C>T, p.Arg72Cys (NM_013976.5); short protein forms R72C.
Identifiers: ClinVar variation 3907289 (VCV003907289.1).
Genomic context (GRCh38, chr19:12,891,917, plus strand): 5'-GACCCGCTGGTGCTGGAGGAGCAGCTGACCACAGATGAGATCCTCATCAGGGACACCTTC[C>T]GCACCTACTGCCAGGAGAGACTCATGCCTCGCATCCTGTTGGCCAATCGCAACGAAGGTG-3'
Protein context (NP_000150.1, residues 62-82): TDEILIRDTF[Arg72Cys]TYCQERLMPR

ClinVar aggregate classification (germline): Uncertain significance (1 of 4 stars; one submission).

gnomAD v4.1: 2 of 1,614,086 alleles (0.00012%); highest among the groups gnomAD compares: Non-Finnish European, 0.00017%; no homozygotes.

Submission:

Women's Health and Genetics/Laboratory Corporation of America, LabCorp
Classification: Uncertain significance. Last evaluated: 2025-06-09. Review status: criteria provided, single submitter. Criteria: LabCorp Variant Classification Summary - May 2015. Collection method: clinical testing. Allele origin: germline.
Comment: Variant summary: GCDH c.214C>T (p.Arg72Cys) results in a non-conservative amino acid change in the encoded protein sequence. Algorithms developed to predict the effect of missense changes on protein structure and function all suggest that this variant is likely to be disruptive. The variant allele was found at a frequency of 4e-06 in 251394 control chromosomes. The available data on variant occurrences in the general population are insufficient to allow any conclusion about variant significance. c.214C>T has been observed in individual(s) affected with Glutaric Acidemia Type 1 without clinical information or genotype-phenotype correlation (Schuurmans_2023). These report(s) do not provide unequivocal conclusions about association of the variant with Glutaric Acidemia Type 1. To our knowledge, no experimental evidence demonstrating an impact on protein function has been reported. The following publication have been ascertained in the context of this evaluation (PMID: 38137040). No submitters have cited clinical-significance assessments for this variant to ClinVar. Based on the evidence outlined above, the variant was classified as uncertain significance.

Literature cited by the submitters: PubMed 37020324.